The following is an entry in ClinVar:

NM_000276.4(OCRL):c.2567A>G (p.Asn856Ser)

Gene: OCRL (OCRL inositol polyphosphate-5-phosphatase; plus strand). Cytogenetic location: Xq26.1.
Variant type: single nucleotide variant.
Coding change: c.2567A>G on transcript NM_000276.4 (MANE Select); coding-DNA position 2567, A replaced by G.
Protein change: p.Asn856Ser; replaces asparagine 856 with serine.
Molecular consequence: missense variant.
Genome position (GRCh38, 1-based): chrX:129,589,942, A>G. VCF-style: chrX-129589942-A-G. GRCh37 (hg19) VCF-style: chrX-128723919-A-G.
Other names: c.2570A>G, p.Asn857Ser (NM_001318784.2); c.2543A>G, p.Asn848Ser (NM_001587.4); short protein forms N848S, N856S, N857S.
Identifiers: ClinVar variation 3573719 (VCV003573719.1).

ClinVar aggregate classification (germline): Uncertain significance (1 of 4 stars; one submission).

gnomAD v4.1: 1 of 1,199,557 alleles (0.000083%); highest among the groups gnomAD compares: South Asian, 0.0018%; no homozygotes.

Submission:

GeneDx
Classification: Uncertain significance. Last evaluated: 2024-07-15. Review status: criteria provided, single submitter. Criteria: GeneDx Variant Classification Process June 2021. Collection method: clinical testing. Allele origin: germline. Affected: yes.
Comment: Not observed at significant frequency in large population cohorts (gnomAD); In silico analysis indicates that this missense variant does not alter protein structure/function; Has not been previously published as pathogenic or benign to our knowledge